The following is an entry in ClinVar:

ClinVar aggregate classification (germline): Uncertain significance (1 of 4 stars; one submission).

Conditions:
Primary dilated cardiomyopathy (DCM). Also called: Dilated Cardiomyopathy. Identifiers: Orphanet 217604, MedGen C0007193, MeSH D002311, MONDO:0005021, HP:0001644. Inheritance: Various modes of inheritance.

Allele frequency attached by ClinVar (database versions not stated): gnomAD exomes below 0.00001; TOPMed below 0.00001.
gnomAD v4.1: 1 of 1,614,050 alleles (0.000062%); highest among the groups gnomAD compares: Non-Finnish European, 0.000085%; no homozygotes.

Submission:

Labcorp Genetics (formerly Invitae), Labcorp
Classification: Uncertain significance for Primary dilated cardiomyopathy. Last evaluated: 2020-12-27. Review status: criteria provided, single submitter. Criteria: Invitae Variant Classification Sherloc (09022015). Collection method: clinical testing. Allele origin: germline.
Comment: In summary, the available evidence is currently insufficient to determine the role of this variant in disease. Therefore, it has been classified as a Variant of Uncertain Significance. Algorithms developed to predict the effect of missense changes on protein structure and function are either unavailable or do not agree on the potential impact of this missense change (SIFT: "Tolerated"; PolyPhen-2: "Probably Damaging"; Align-GVGD: "Class C0"). This variant has not been reported in the literature in individuals with NEBL-related conditions. This variant is not present in population databases (ExAC no frequency). This sequence change replaces arginine with lysine at codon 675 of the NEBL protein (p.Arg675Lys). The arginine residue is highly conserved and there is a small physicochemical difference between arginine and lysine.

NM_006393.3(NEBL):c.2024G>A (p.Arg675Lys)

Gene: NEBL (nebulette; minus strand). Cytogenetic location: 10p12.31.
Variant type: single nucleotide variant.
Coding change: c.2024G>A on transcript NM_006393.3 (MANE Select); coding-DNA position 2024, G replaced by A.
Protein change: p.Arg675Lys; replaces arginine 675 with lysine.
Molecular consequence: missense variant. On other transcripts: intron variant (9).
Genome position (GRCh38, 1-based): chr10:20,819,455, C>T on the plus strand (G>A on the coding strand, the complement: NEBL is on the minus strand). VCF-style: chr10-20819455-C-T. GRCh37 (hg19) VCF-style: chr10-21108384-C-T.
Other names: c.250-6515G>A (NM_001377326.1, NM_001377327.1, NM_001377328.1); c.358-6515G>A (NM_213569.2, NM_001173484.2, NM_001377322.1); c.301-6515G>A (NM_001377324.1); c.292-6515G>A (NM_001377325.1); c.310-6515G>A (NM_001377323.1); short protein forms R675K.
Identifiers: ClinVar variation 1512437 (VCV001512437.8), dbSNP rs1839060822, ClinGen allele CA376094295.